The following is an entry in ClinVar:

NM_000551.4(VHL):c.-30C>T

Gene: VHL (von Hippel-Lindau tumor suppressor; plus strand). Cytogenetic location: 3p25.3.
Variant type: single nucleotide variant.
Coding change: c.-30C>T on transcript NM_000551.4 (MANE Select); 30 bases upstream of the start codon, C replaced by T.
Molecular consequence: 5 prime UTR variant.
Genome position (GRCh38, 1-based): chr3:10,141,818, C>T. VCF-style: chr3-10141818-C-T. GRCh37 (hg19) VCF-style: chr3-10183502-C-T.
Other names: c.-30C>T (NM_001354723.2, NM_198156.3).
Identifiers: ClinVar variation 4820019 (VCV004820019.1), dbSNP rs886057701.

ClinVar aggregate classification (germline): Uncertain significance (1 of 4 stars; one submission).

Conditions:
Von Hippel-Lindau syndrome (VHLS). Also called: Von Hippel-Lindau; von Hippel–Lindau syndrome; VHL syndrome. Identifiers: Orphanet 892, MedGen C0019562, MONDO:0008667, OMIM 193300. Disease mechanism: loss of function.

Allele frequency attached by ClinVar (database versions not stated): TOPMed below 0.00001.

Submission:

Centro de Investigaciones Endocrinológicas “Dr. César Bergadá” (CEDIE), Unidad de Investigacion Traslacional (UIT), Hospital de Niños Dr. Ricardo Gutiérrez
Classification: Uncertain significance for Von Hippel-Lindau syndrome. Last evaluated: 2026-04-10. Review status: criteria provided, single submitter. Criteria: Institutional Variant Interpretation Framework ClinVar CEDIE Version 1. Collection method: clinical testing. Allele origin: germline. Affected: yes. Observed: 1 variant allele.
Comment: This variant is considered VUS because it is a synonymous (silent) and intronic variant outside donor and acceptor splice region with no predicted splicing effect and occurs at a conserved position in the protein (BP7), and it has a population frequency that is not consistent with the disease (PM2_supp).